The following is an entry in ClinVar:

ClinVar aggregate classification (germline): Uncertain significance (1 of 4 stars; one submission).

Conditions:
Pancreatic adenocarcinoma. Identifiers: MedGen C0281361, MONDO:0006047, HP:0006725.

Submission:

Labcorp Genetics (formerly Invitae), Labcorp
Classification: Uncertain significance for Pancreatic adenocarcinoma. Last evaluated: 2021-12-24. Review status: criteria provided, single submitter. Criteria: Invitae Variant Classification Sherloc (09022015). Collection method: clinical testing. Allele origin: germline.
Comment: This variant is not present in population databases (gnomAD no frequency). This sequence change replaces alanine, which is neutral and non-polar, with threonine, which is neutral and polar, at codon 101 of the PALLD protein (p.Ala101Thr). This variant has not been reported in the literature in individuals affected with PALLD-related conditions. In summary, the available evidence is currently insufficient to determine the role of this variant in disease. Therefore, it has been classified as a Variant of Uncertain Significance. Algorithms developed to predict the effect of missense changes on protein structure and function (SIFT, PolyPhen-2, Align-GVGD) all suggest that this variant is likely to be tolerated.

NM_001166108.2(PALLD):c.1965-12730G>A

Gene: PALLD (palladin, cytoskeletal associated protein; plus strand). Cytogenetic location: 4q32.3.
Variant type: single nucleotide variant.
Coding change: c.1965-12730G>A on transcript NM_001166108.2 (MANE Select); 12730 bases into the intron before coding-DNA position 1965, G replaced by A.
Molecular consequence: intron variant. On other transcripts: missense variant (1).
Genome position (GRCh38, 1-based): chr4:168,878,192, G>A. VCF-style: chr4-168878192-G-A. GRCh37 (hg19) VCF-style: chr4-169799343-G-A.
Other names: c.301G>A, p.Ala101Thr (NM_001166110.2); c.1965-12730G>A (NM_016081.4); c.819-12730G>A (NM_001166109.2); c.-157-12730G>A (NM_001367570.1, NM_001367568.1, NM_001367567.1 and 1 more transcripts); short protein forms A101T.
Identifiers: ClinVar variation 2058752 (VCV002058752.4), dbSNP rs1426131648, ClinGen allele CA358796127.
Genomic context (GRCh38, chr4:168,878,192, plus strand): 5'-TGGGGCTCCTCCTCGCCGTCGCCCCCGCCCCCGCCACCCCCGGTCTTCAGCCCCACGGCT[G>A]CCTTCCCGGTGCCCGACGTGTTCCCACTGCCGCCGCCACCACCGCCGCTCCCGAGCCCGG-3'